The following is an entry in ClinVar:

ClinVar aggregate classification (germline): Uncertain significance (1 of 4 stars; one submission).

Allele frequency attached by ClinVar (database versions not stated): gnomAD exomes below 0.00001; TOPMed below 0.00001.
gnomAD v4.1: 4 of 1,614,196 alleles (0.00025%); highest among the groups gnomAD compares: East Asian, 0.0022%; no homozygotes.

Submission:

Labcorp Genetics (formerly Invitae), Labcorp
Classification: Uncertain significance. Last evaluated: 2023-06-26. Review status: criteria provided, single submitter. Criteria: Invitae Variant Classification Sherloc (09022015). Collection method: clinical testing. Allele origin: germline.
Comment: In summary, the available evidence is currently insufficient to determine the role of this variant in disease. Therefore, it has been classified as a Variant of Uncertain Significance. An algorithm developed to predict the effect of missense changes on protein structure and function (PolyPhen-2) suggests that this variant is likely to be disruptive. This sequence change replaces histidine, which is basic and polar, with leucine, which is neutral and non-polar, at codon 1617 of the CEP250 protein (p.His1617Leu). This variant is present in population databases (no rsID available, gnomAD 0.0009%). This variant has not been reported in the literature in individuals affected with CEP250-related conditions. ClinVar contains an entry for this variant (Variation ID: 1015341).

NM_007186.6(CEP250):c.4850A>T (p.His1617Leu)

Gene: CEP250 (centrosomal protein 250; plus strand). Cytogenetic location: 20q11.22.
Variant type: single nucleotide variant.
Coding change: c.4850A>T on transcript NM_007186.6 (MANE Select); coding-DNA position 4850, A replaced by T.
Protein change: p.His1617Leu; replaces histidine 1617 with leucine.
Molecular consequence: missense variant.
Genome position (GRCh38, 1-based): chr20:35,503,219, A>T. VCF-style: chr20-35503219-A-T. GRCh37 (hg19) VCF-style: chr20-34091047-A-T.
Other names: c.2954A>T, p.His985Leu (NM_001318219.1); short protein forms H1617L, H985L.
Identifiers: ClinVar variation 1015341 (VCV001015341.9), dbSNP rs1042185077, ClinGen allele CA314160148.